The following is an entry in ClinVar:

NM_001363118.2(SLC52A2):c.193G>A (p.Val65Met)

Gene: SLC52A2 (solute carrier family 52 member 2; plus strand). Cytogenetic location: 8q24.3.
Variant type: single nucleotide variant.
Coding change: c.193G>A on transcript NM_001363118.2 (MANE Select); coding-DNA position 193, G replaced by A.
Protein change: p.Val65Met; replaces valine 65 with methionine.
Molecular consequence: missense variant. On other transcripts: non-coding transcript variant (1), intron variant (1).
Genome position (GRCh38, 1-based): chr8:144,359,685, G>A. VCF-style: chr8-144359685-G-A. GRCh37 (hg19) VCF-style: chr8-145583345-G-A.
Other names: c.193G>A, p.Val65Met (NM_001253815.2, NM_001253816.2, NM_001363120.2 and 2 more transcripts); c.130+262G>A (NM_001363122.2); short protein forms V65M.
Identifiers: ClinVar variation 1064000 (VCV001064000.5), dbSNP rs2130637925, ClinGen allele CA372626363.

ClinVar aggregate classification (germline): Uncertain significance (1 of 4 stars; one submission).

Conditions:
Brown-Vialetto-van Laere syndrome 2. Also called: Riboflavin transporter deficiency type 2; SPINOCEREBELLAR ATAXIA WITH BLINDNESS AND DEAFNESS 2. Identifiers: Orphanet 572543, Orphanet 97229, MedGen C3553538, MONDO:0013867, OMIM 614707.

Submission:

Labcorp Genetics (formerly Invitae), Labcorp
Classification: Uncertain significance for Brown-Vialetto-van Laere syndrome 2. Last evaluated: 2020-05-20. Review status: criteria provided, single submitter. Criteria: Invitae Variant Classification Sherloc (09022015). Collection method: clinical testing. Allele origin: germline.
Comment: This sequence change replaces valine with methionine at codon 65 of the SLC52A2 protein (p.Val65Met). The valine residue is highly conserved and there is a small physicochemical difference between valine and methionine. This variant is not present in population databases (ExAC no frequency). This variant has not been reported in the literature in individuals with SLC52A2-related conditions. Algorithms developed to predict the effect of missense changes on protein structure and function are either unavailable or do not agree on the potential impact of this missense change (SIFT: "Deleterious"; PolyPhen-2: "Probably Damaging"; Align-GVGD: "Class C0"). In summary, the available evidence is currently insufficient to determine the role of this variant in disease. Therefore, it has been classified as a Variant of Uncertain Significance.